The following is an entry in ClinVar:

NM_015557.3(CHD5):c.2095A>T (p.Thr699Ser)

Gene: CHD5 (chromodomain helicase DNA binding protein 5; minus strand). Cytogenetic location: 1p36.31.
Variant type: single nucleotide variant.
Coding change: c.2095A>T on transcript NM_015557.3 (MANE Select); coding-DNA position 2095, A replaced by T.
Protein change: p.Thr699Ser; replaces threonine 699 with serine.
Molecular consequence: missense variant.
Genome position (GRCh38, 1-based): chr1:6,142,554, T>A on the plus strand (A>T on the coding strand, the complement: CHD5 is on the minus strand). VCF-style: chr1-6142554-T-A. GRCh37 (hg19) VCF-style: chr1-6202614-T-A.
Other names: short protein forms T699S.
Identifiers: ClinVar variation 2637242 (VCV002637242.1), dbSNP rs2525410495, ClinGen allele CA338080637.

ClinVar aggregate classification (germline): Uncertain significance (1 of 4 stars; one submission).

Conditions:
CHD5-related disorder. Also called: CHD5-related condition.

Submission:

PreventionGenetics, part of Exact Sciences
Classification: Uncertain significance for CHD5-related condition. Last evaluated: 2022-10-14. Review status: criteria provided, single submitter. Criteria: ACMG Guidelines, 2015. Collection method: clinical testing. Allele origin: germline.
Comment: The CHD5 c.2095A>T variant is predicted to result in the amino acid substitution p.Thr699Ser. To our knowledge, this variant has not been reported in the literature or in a large population database, indicating this variant is rare. At this time, the clinical significance of this variant is uncertain due to the absence of conclusive functional and genetic evidence.